The following is an entry in ClinVar:

ClinVar aggregate classification (germline): Uncertain significance. Review status: criteria provided, multiple submitters, no conflicts (2 of 4 stars). 3 submissions from 3 submitters: Uncertain significance (3). Last evaluated 2025-09-10.

Conditions:
Cardiomyopathy (CMYO). Also called: Cardiomyopathies. Identifiers: Orphanet 167848, MedGen C0878544, MONDO:0004994, HP:0001638. Inheritance: Various modes of inheritance.
Hypertrophic cardiomyopathy. Also called: HYPERTROPHIC MYOCARDIOPATHY. Identifiers: Orphanet 217569, MedGen C0007194, MeSH D002312, MONDO:0005045, HP:0001639.

Allele frequency attached by ClinVar (database versions not stated): TOPMed below 0.00001.
gnomAD v4.1: 1 of 1,595,814 alleles (0.000063%); highest among the groups gnomAD compares: Middle Eastern, 0.017%; no homozygotes.

Submissions (3):

Labcorp Genetics (formerly Invitae), Labcorp
Classification: Uncertain significance for Hypertrophic cardiomyopathy. Last evaluated: 2025-09-10. Review status: criteria provided, single submitter. Criteria: Invitae Variant Classification Sherloc (09022015). Collection method: clinical testing. Allele origin: germline.
Comment: This sequence change replaces tryptophan, which is neutral and slightly polar, with cysteine, which is neutral and slightly polar, at codon 1098 of the MYBPC3 protein (p.Trp1098Cys). This variant is not present in population databases (gnomAD no frequency). This variant has not been reported in the literature in individuals affected with MYBPC3-related conditions. ClinVar contains an entry for this variant (Variation ID: 915777). An algorithm developed to predict the effect of missense changes on protein structure and function (PolyPhen-2) suggests that this variant is likely to be disruptive. In summary, the available evidence is currently insufficient to determine the role of this variant in disease. Therefore, it has been classified as a Variant of Uncertain Significance.

All of Us Research Program, National Institutes of Health
Classification: Uncertain significance for Hypertrophic cardiomyopathy. Last evaluated: 2024-08-06. Review status: criteria provided, single submitter. Criteria: ACMG Guidelines, 2015. Collection method: clinical testing. Allele origin: germline. Inheritance: Autosomal dominant inheritance. Observed: 2 variant alleles, 2 heterozygotes.
Comment: This study involves interpretation of variants in research participants for the purpose of population health screening. Participant phenotype was not available at the time of variant classification. Additional details can be found in publication PMID: 35346344, PMCID: PMC8962531

CHEO Genetics Diagnostic Laboratory, Children's Hospital of Eastern Ontario
Classification: Uncertain significance for Cardiomyopathy. Last evaluated: 2018-12-31. Review status: criteria provided, single submitter. Criteria: ACMG Guidelines, 2015. Collection method: clinical testing. Allele origin: germline.

NM_000256.3(MYBPC3):c.3294G>C (p.Trp1098Cys)

Gene: MYBPC3 (myosin binding protein C3; minus strand). Cytogenetic location: 11p11.2.
Variant type: single nucleotide variant.
Coding change: c.3294G>C on transcript NM_000256.3 (MANE Select); coding-DNA position 3294, G replaced by C.
Protein change: p.Trp1098Cys; replaces tryptophan 1098 with cysteine.
Molecular consequence: missense variant.
Genome position (GRCh38, 1-based): chr11:47,333,230, C>G on the plus strand (G>C on the coding strand, the complement: MYBPC3 is on the minus strand). VCF-style: chr11-47333230-C-G. GRCh37 (hg19) VCF-style: chr11-47354781-C-G.
Other names: short protein forms W1098C.
Identifiers: ClinVar variation 915777 (VCV000915777.6), dbSNP rs767039057, ClinGen allele CA380314124.